The following is an entry in ClinVar:

ClinVar aggregate classification (germline): Uncertain significance. Review status: criteria provided, multiple submitters, no conflicts (2 of 4 stars). 4 submissions from 4 submitters: Uncertain significance (4). Last evaluated 2022-11-01.

Conditions:
Hypotonia, infantile, with psychomotor retardation and characteristic facies 2 (IHPRF2). Also called: UNC80 Deficiency. Identifiers: Orphanet 371364, Orphanet 700333, MedGen C4225203, MONDO:0014777, OMIM 616801.
Inborn genetic diseases. Identifiers: MedGen C0950123, MeSH D030342.

Allele frequency attached by ClinVar (database versions not stated): gnomAD exomes 0.00004 and 0.00008; ExAC 0.00005; TOPMed 0.00009; gnomAD 0.00010; ESP Exome Variant Server 0.00022; 1000 Genomes Project 30x 0.00031; 1000 Genomes Project 0.00040.
gnomAD v4.1: 128 of 1,551,642 alleles (0.0082%); highest among the groups gnomAD compares: Non-Finnish European, 0.01%; no homozygotes.

Submissions (4):

Labcorp Genetics (formerly Invitae), Labcorp
Classification: Uncertain significance. Last evaluated: 2022-11-01. Review status: criteria provided, single submitter. Criteria: Invitae Variant Classification Sherloc (09022015). Collection method: clinical testing. Allele origin: germline.
Comment: This sequence change replaces arginine, which is basic and polar, with glutamine, which is neutral and polar, at codon 2998 of the UNC80 protein (p.Arg2998Gln). This variant is present in population databases (rs371593882, gnomAD 0.01%). This variant has not been reported in the literature in individuals affected with UNC80-related conditions. ClinVar contains an entry for this variant (Variation ID: 1028459). Advanced modeling of protein sequence and biophysical properties (such as structural, functional, and spatial information, amino acid conservation, physicochemical variation, residue mobility, and thermodynamic stability) performed at Invitae indicates that this missense variant is not expected to disrupt UNC80 protein function. In summary, the available evidence is currently insufficient to determine the role of this variant in disease. Therefore, it has been classified as a Variant of Uncertain Significance.

Ambry Genetics
Classification: Uncertain significance for Inborn genetic diseases. Last evaluated: 2022-08-30. Review status: criteria provided, single submitter. Criteria: Ambry Variant Classification Scheme 2023. Collection method: clinical testing. Allele origin: germline.

Baylor Genetics
Classification: Uncertain significance for Hypotonia, infantile, with psychomotor retardation and characteristic facies 2. Last evaluated: 2020-09-22. Review status: criteria provided, single submitter. Criteria: ACMG Guidelines, 2015. Collection method: clinical testing. Allele origin: unknown. Affected: yes.
Comment: This variant was determined to be of uncertain significance according to ACMG Guidelines, 2015 [PMID:25741868].

Blueprint Genetics
Classification: Uncertain significance. Last evaluated: 2020-09-04. Review status: criteria provided, single submitter. Criteria: ACMG Guidelines, 2015. Collection method: clinical testing. Allele origin: germline.

NM_001371986.1(UNC80):c.9191G>A (p.Arg3064Gln)

Gene: UNC80 (unc-80 subunit of NALCN channel complex; plus strand). Cytogenetic location: 2q34.
Variant type: single nucleotide variant.
Coding change: c.9191G>A on transcript NM_001371986.1 (MANE Select); coding-DNA position 9191, G replaced by A.
Protein change: p.Arg3064Gln; replaces arginine 3064 with glutamine.
Molecular consequence: missense variant.
Genome position (GRCh38, 1-based): chr2:209,982,251, G>A. VCF-style: chr2-209982251-G-A. GRCh37 (hg19) VCF-style: chr2-210846975-G-A.
Other names: c.8993G>A, p.Arg2998Gln (NM_032504.2); c.8978G>A, p.Arg2993Gln (NM_182587.4); short protein forms R2993Q, R3064Q, R2998Q.
Identifiers: ClinVar variation 1028459 (VCV001028459.6), dbSNP rs371593882, ClinGen allele CA2083637.
Genomic context (GRCh38, chr2:209,982,251, plus strand): 5'-GCATGCCCAGCGTGGTAAGTGAACAAGAAGCTTACCTCCTGAGTGCCATTGGAAGGAGGC[G>A]ATTCTCCAGCCATGTCTCCAGCATGTCTGTACCTCAGGCTGAGGTGGGCATGCTACCCAG-3'
Protein context (NP_001358915.1, residues 3054-3074): AYLLSAIGRR[Arg3064Gln]FSSHVSSMSV